The following is an entry in ClinVar:

NM_139276.3(STAT3):c.1600+5G>A

Gene: STAT3 (signal transducer and activator of transcription 3; minus strand). Cytogenetic location: 17q21.2.
Variant type: single nucleotide variant.
Coding change: c.1600+5G>A on transcript NM_139276.3 (MANE Select); 5 bases into the intron after coding-DNA position 1600, G replaced by A.
Molecular consequence: intron variant.
Genome position (GRCh38, 1-based): chr17:42,324,706, C>T on the plus strand (G>A on the coding strand, the complement: STAT3 is on the minus strand). VCF-style: chr17-42324706-C-T. GRCh37 (hg19) VCF-style: chr17-40476724-C-T.
Other names: c.1504+5G>A (NM_001384989.1); c.1540+5G>A (NM_001384992.1); c.1516+5G>A (NM_001384984.1); c.1600+5G>A (NM_001369519.1, NM_003150.4, NM_001369517.1 and 10 more transcripts); c.1522+5G>A (NM_001384985.1); c.1579+5G>A (NM_001384987.1); c.1615+5G>A (NM_001384986.1, NM_001384990.1).
Identifiers: ClinVar variation 567618 (VCV000567618.10), dbSNP rs573079206, ClinGen allele CA8575290.
Genomic context (GRCh38, chr17:42,324,706, plus strand): 5'-AGCCCTATGGGCCGGATCCCTTTTCTGGGCGGGTGGGCGGGAGGGAGAAGGGGTGAAATG[C>T]GGACCCAAGAGTTTCTCTGCCAGTGTAGTCAGCTGCTCGATGCTCAGTCCTCGCTTGGTG-3'

ClinVar aggregate classification (germline): Conflicting classifications of pathogenicity. Review status: criteria provided, conflicting classifications (1 of 4 stars). 3 submissions from 3 submitters: Uncertain significance (2); Likely benign (1). Last evaluated 2025-08-07.

Conditions:
STAT3 gain of function. Identifiers: MedGen C4288261.
Hyper-IgE recurrent infection syndrome 1, autosomal dominant. Also called: Hyper-IgE recurrent infection syndrome 1; Job's Syndrome; HYPER-IgE SYNDROME 1, AUTOSOMAL DOMINANT, WITH RECURRENT INFECTIONS; JOB SYNDROME; STAT3 Hyper IgE Syndrome. Identifiers: Orphanet 2314, MedGen C2936739, MONDO:0007818, OMIM 147060.

Allele frequency attached by ClinVar (database versions not stated): TOPMed 0.00006; ExAC 0.00011; 1000 Genomes Project 30x 0.00062; 1000 Genomes Project 0.00080.
gnomAD v4.1: 25 of 1,608,866 alleles (0.0016%); highest among the groups gnomAD compares: East Asian, 0.016%; no homozygotes.

Submissions (3):

Dasa
Classification: Uncertain significance. Last evaluated: 2025-08-07. Review status: criteria provided, single submitter. Criteria: DASA Assertion Criteria. Collection method: clinical testing. Allele origin: germline.
Comment: NM_139276.3(STAT3):c.1600+5G>A is a splice-region variant predicted to affect normal RNA splicing. This variant is rare in population databases. Computational prediction algorithms are consistent with a deleterious effect. The currently available literature and clinical evidence are not sufficient to establish a definitive association between this variant and the reported condition. Therefore, this variant is classified as a variant of uncertain significance.

Labcorp Genetics (formerly Invitae), Labcorp
Classification: Uncertain significance for STAT3 gain of function; Hyper-IgE recurrent infection syndrome 1, autosomal dominant. Last evaluated: 2024-08-05. Review status: criteria provided, single submitter. Criteria: Invitae Variant Classification Sherloc (09022015). Collection method: clinical testing. Allele origin: germline.
Comment: This sequence change falls in intron 17 of the STAT3 gene. It does not directly change the encoded amino acid sequence of the STAT3 protein. It affects a nucleotide within the consensus splice site. The frequency data for this variant in the population databases is considered unreliable, as metrics indicate poor data quality at this position in the gnomAD database. This variant has not been reported in the literature in individuals affected with STAT3-related conditions. ClinVar contains an entry for this variant (Variation ID: 567618). Variants that disrupt the consensus splice site are a relatively common cause of aberrant splicing (PMID: 17576681, 9536098). Algorithms developed to predict the effect of sequence changes on RNA splicing suggest that this variant may disrupt the consensus splice site. In summary, the available evidence is currently insufficient to determine the role of this variant in disease. Therefore, it has been classified as a Variant of Uncertain Significance.

Blueprint Genetics
Classification: Likely benign. Last evaluated: 2023-07-03. Review status: criteria provided, single submitter. Criteria: ACMG Guidelines, 2015. Collection method: clinical testing. Allele origin: germline.

Literature cited by the submitters: PubMed 17576681 (cited by Labcorp Genetics (formerly Invitae), Labcorp); PubMed 9536098 (cited by Labcorp Genetics (formerly Invitae), Labcorp).